The following is an entry in ClinVar:

ClinVar aggregate classification (germline): Pathogenic (1 of 4 stars; one submission).

Submission:

Labcorp Genetics (formerly Invitae), Labcorp
Classification: Pathogenic. Last evaluated: 2024-12-05. Review status: criteria provided, single submitter. Criteria: Invitae Variant Classification Sherloc (09022015). Collection method: clinical testing. Allele origin: germline.
Comment: This sequence change creates a premature translational stop signal (p.Glu745*) in the ZEB1 gene. It is expected to result in an absent or disrupted protein product. Loss-of-function variants in ZEB1 are known to be pathogenic (PMID: 16252232, 17935237, 30851240). This variant is not present in population databases (gnomAD no frequency). This variant has not been reported in the literature in individuals affected with ZEB1-related conditions. For these reasons, this variant has been classified as Pathogenic.

Literature cited by the submitters: PubMed 16252232; PubMed 17935237; PubMed 30851240.

NM_001174096.2(ZEB1):c.2236G>T (p.Glu746Ter)

Gene: ZEB1 (zinc finger E-box binding homeobox 1; plus strand). Cytogenetic location: 10p11.22.
Variant type: single nucleotide variant.
Coding change: c.2236G>T on transcript NM_001174096.2 (MANE Select); coding-DNA position 2236, G replaced by T.
Protein change: p.Glu746Ter; replaces glutamic acid 746 with a stop codon.
Molecular consequence: nonsense.
Genome position (GRCh38, 1-based): chr10:31,521,568, G>T. VCF-style: chr10-31521568-G-T. GRCh37 (hg19) VCF-style: chr10-31810496-G-T.
Other names: c.2233G>T, p.Glu745Ter (NM_030751.6); c.2185G>T, p.Glu729Ter (NM_001128128.3); c.2173G>T, p.Glu725Ter (NM_001174093.2); c.2182G>T, p.Glu728Ter (NM_001174094.2); c.2032G>T, p.Glu678Ter (NM_001174095.2); c.1579G>T, p.Glu527Ter (NM_001323638.2, NM_001323641.2, NM_001323642.2 and 27 more transcripts); c.2011G>T, p.Glu671Ter (NM_001323674.2); c.1969G>T, p.Glu657Ter (NM_001323675.2); and 3 more; short protein forms E678*, E527*, E728*, E729*, E745*, E746*, E671*, E731*.
Identifiers: ClinVar variation 3726715 (VCV003726715.2).